The following is an entry in ClinVar:

NM_080473.5(GATA5):c.491T>C (p.Leu164Pro)

Gene: GATA5 (GATA binding protein 5; minus strand). Cytogenetic location: 20q13.33.
Variant type: single nucleotide variant.
Coding change: c.491T>C on transcript NM_080473.5 (MANE Select); coding-DNA position 491, T replaced by C.
Protein change: p.Leu164Pro; replaces leucine 164 with proline.
Molecular consequence: missense variant.
Genome position (GRCh38, 1-based): chr20:62,475,031, A>G on the plus strand (T>C on the coding strand, the complement: GATA5 is on the minus strand). VCF-style: chr20-62475031-A-G. GRCh37 (hg19) VCF-style: chr20-61050087-A-G.
Other names: short protein forms L164P.
Identifiers: ClinVar variation 4809044 (VCV004809044.1).

ClinVar aggregate classification (germline): Uncertain significance (1 of 4 stars; one submission).

gnomAD v4.1: 1 of 1,395,388 alleles (0.000072%); highest among the groups gnomAD compares: Non-Finnish European, 0.000093%; no homozygotes.

Submission:

Labcorp Genetics (formerly Invitae), Labcorp
Classification: Uncertain significance. Last evaluated: 2025-09-22. Review status: criteria provided, single submitter. Criteria: Invitae Variant Classification Sherloc (09022015). Collection method: clinical testing. Allele origin: germline.
Comment: This sequence change replaces leucine, which is neutral and non-polar, with proline, which is neutral and non-polar, at codon 164 of the GATA5 protein (p.Leu164Pro). This variant is not present in population databases (gnomAD no frequency). This variant has not been reported in the literature in individuals affected with GATA5-related conditions. Invitae Evidence Modeling of protein sequence and biophysical properties (such as structural, functional, and spatial information, amino acid conservation, physicochemical variation, residue mobility, and thermodynamic stability) indicates that this missense variant is expected to disrupt GATA5 protein function with a positive predictive value of 80%. In summary, the available evidence is currently insufficient to determine the role of this variant in disease. Therefore, it has been classified as a Variant of Uncertain Significance.